The following is an entry in ClinVar:

ClinVar aggregate classification (germline): Uncertain significance. Review status: criteria provided, multiple submitters, no conflicts (2 of 4 stars). 2 submissions from 2 submitters: Uncertain significance (2). Last evaluated 2026-09-09.

Conditions:
MYO9A-related disorder. Also called: MYO9A-related condition.
Inborn genetic diseases. Identifiers: MedGen C0950123, MeSH D030342.

Allele frequency attached by ClinVar (database versions not stated): ExAC 0.00001; gnomAD exomes 0.00002; gnomAD 0.00011; TOPMed 0.00027.
gnomAD v4.1: 32 of 1,613,228 alleles (0.002%); highest among the groups gnomAD compares: Admixed American, 0.043%; no homozygotes.

Submissions (2):

PreventionGenetics, part of Exact Sciences
Classification: Uncertain significance for MYO9A-related condition. Last evaluated: 2026-09-09. Review status: criteria provided, single submitter. Criteria: ACMG Guidelines, 2015. Collection method: clinical testing. Allele origin: germline.
Comment: The MYO9A c.1187G>C variant is predicted to result in the amino acid substitution p.Arg396Thr. To our knowledge, this variant has not been reported in the literature. This variant is reported in 0.0056% of alleles in individuals of Latino descent in gnomAD. At this time, the clinical significance of this variant is uncertain due to the absence of conclusive functional and genetic evidence.

Ambry Genetics
Classification: Uncertain significance for Inborn genetic diseases. Last evaluated: 2025-04-11. Review status: criteria provided, single submitter. Criteria: Ambry Variant Classification Scheme 2023. Collection method: clinical testing. Allele origin: germline.

NM_006901.4(MYO9A):c.1187G>C (p.Arg396Thr)

Gene: MYO9A (myosin IXA; minus strand). Cytogenetic location: 15q23.
Variant type: single nucleotide variant.
Coding change: c.1187G>C on transcript NM_006901.4 (MANE Select); coding-DNA position 1187, G replaced by C.
Protein change: p.Arg396Thr; replaces arginine 396 with threonine.
Molecular consequence: missense variant.
Genome position (GRCh38, 1-based): chr15:72,010,416, C>G on the plus strand (G>C on the coding strand, the complement: MYO9A is on the minus strand). VCF-style: chr15-72010416-C-G. GRCh37 (hg19) VCF-style: chr15-72302757-C-G.
Other names: c.1187G>C (NM_006901.3); short protein forms R396T.
Identifiers: ClinVar variation 2518996 (VCV002518996.4), dbSNP rs756686203, ClinGen allele CA7642271.